The following is an entry in ClinVar:

ClinVar aggregate classification (germline): Pathogenic (1 of 4 stars; one submission).

Submission:

GeneDx
Classification: Pathogenic. Last evaluated: 2017-11-06. Review status: criteria provided, single submitter. Criteria: GeneDx Variant Classification (06012015). Collection method: clinical testing. Allele origin: germline. Affected: yes.
Comment: The G872V pathogenic variant has not been published as a pathogenic variant, nor has it been reported as a benign variant to our knowledge. G872V occurs in the triple helical domain and replaces the Glycine in the canonical Gly-X-Y repeat. Variants in these Glycines result in poor winding of the collagen triple helix and a less functional protein. G872V is not observed in large population cohorts (Lek et al., 2016) and is a conservative amino acid substitution, which is not likely to impact secondary protein structure as these residues share similar properties. This substitution occurs at a position that is conserved across species. In silico analysis predicts this variant is probably damaging to the protein structure/function. Missense variants in the same Glycine residue (G872A) and nearby Glycine residues (G863V; G866S/C; G869C, G875S, G878S/D; G884S; G887S) have been reported in the Human Gene Mutation Database in association with osteogenesis imperfecta (Stenson et al., 2014), supporting the functional importance of this region of the protein.

NM_000088.4(COL1A1):c.2615G>T (p.Gly872Val)

Gene: COL1A1 (collagen type I alpha 1 chain; minus strand). Cytogenetic location: 17q21.33.
Variant type: single nucleotide variant.
Coding change: c.2615G>T on transcript NM_000088.4 (MANE Select); coding-DNA position 2615, G replaced by T.
Protein change: p.Gly872Val; replaces glycine 872 with valine.
Molecular consequence: missense variant.
Genome position (GRCh38, 1-based): chr17:50,189,731, C>A on the plus strand (G>T on the coding strand, the complement: COL1A1 is on the minus strand). VCF-style: chr17-50189731-C-A. GRCh37 (hg19) VCF-style: chr17-48267092-C-A.
Other names: short protein forms G872V.
Identifiers: ClinVar variation 453209 (VCV000453209.2), dbSNP rs1555572537, ClinGen allele CA400207126.